The following is an entry in ClinVar:

NM_001375524.1(TRRAP):c.11246T>G (p.Ile3749Ser)

Gene: TRRAP (transformation/transcription domain associated protein; plus strand). Cytogenetic location: 7q22.1.
Variant type: single nucleotide variant.
Coding change: c.11246T>G on transcript NM_001375524.1 (MANE Select); coding-DNA position 11246, T replaced by G.
Protein change: p.Ile3749Ser; replaces isoleucine 3749 with serine.
Molecular consequence: missense variant.
Genome position (GRCh38, 1-based): chr7:99,011,444, T>G. VCF-style: chr7-99011444-T-G. GRCh37 (hg19) VCF-style: chr7-98609067-T-G.
Other names: c.11204T>G, p.Ile3735Ser (NM_001244580.2); c.11117T>G, p.Ile3706Ser (NM_003496.4); short protein forms I3706S, I3735S, I3749S.
Identifiers: ClinVar variation 3367651 (VCV003367651.1).

ClinVar aggregate classification (germline): Uncertain significance (1 of 4 stars; one submission).

Submission:

GeneDx
Classification: Uncertain significance. Last evaluated: 2024-01-09. Review status: criteria provided, single submitter. Criteria: GeneDx Variant Classification Process June 2021. Collection method: clinical testing. Allele origin: germline. Affected: yes.
Comment: Not observed at significant frequency in large population cohorts (gnomAD); In silico analysis supports that this missense variant has a deleterious effect on protein structure/function; Has not been previously published as pathogenic or benign to our knowledge